The following is an entry in ClinVar:

NM_033118.4(MYLK2):c.208T>A (p.Ser70Thr)

Gene: MYLK2 (myosin light chain kinase 2; plus strand). Cytogenetic location: 20q11.21.
Variant type: single nucleotide variant.
Coding change: c.208T>A on transcript NM_033118.4 (MANE Select); coding-DNA position 208, T replaced by A.
Protein change: p.Ser70Thr; replaces serine 70 with threonine.
Molecular consequence: missense variant.
Genome position (GRCh38, 1-based): chr20:31,820,281, T>A. VCF-style: chr20-31820281-T-A. GRCh37 (hg19) VCF-style: chr20-30408084-T-A.
Other names: short protein forms S70T.
Identifiers: ClinVar variation 2114613 (VCV002114613.4), dbSNP rs2515451136, ClinGen allele CA408525137.

ClinVar aggregate classification (germline): Uncertain significance (1 of 4 stars; one submission).

Conditions:
Hypertrophic cardiomyopathy 1 (CMH1). Also called: Familial hypertrophic cardiomyopathy 1; MYH7-Related Familial Hypertrophic Cardiomyopathy. Identifiers: MedGen C3495498, MONDO:0008647, OMIM 192600.

Allele frequency attached by ClinVar (database versions not stated): gnomAD exomes below 0.00001.
gnomAD v4.1: 2 of 1,613,648 alleles (0.00012%); highest among the groups gnomAD compares: Non-Finnish European, 0.00017%; no homozygotes.

Submission:

Labcorp Genetics (formerly Invitae), Labcorp
Classification: Uncertain significance for Hypertrophic cardiomyopathy 1. Last evaluated: 2022-04-21. Review status: criteria provided, single submitter. Criteria: Invitae Variant Classification Sherloc (09022015). Collection method: clinical testing. Allele origin: germline.
Comment: Algorithms developed to predict the effect of missense changes on protein structure and function (SIFT, PolyPhen-2, Align-GVGD) all suggest that this variant is likely to be tolerated. In summary, the available evidence is currently insufficient to determine the role of this variant in disease. Therefore, it has been classified as a Variant of Uncertain Significance. This sequence change replaces serine, which is neutral and polar, with threonine, which is neutral and polar, at codon 70 of the MYLK2 protein (p.Ser70Thr). This variant is not present in population databases (gnomAD no frequency). This variant has not been reported in the literature in individuals affected with MYLK2-related conditions.